The following is an entry in ClinVar:

ClinVar aggregate classification (germline): Uncertain significance (1 of 4 stars; one submission).

Allele frequency attached by ClinVar (database versions not stated): gnomAD 0.00004; TOPMed 0.00006.
gnomAD v4.1: 29 of 1,535,376 alleles (0.0019%); highest among the groups gnomAD compares: African/African-American, 0.012%; no homozygotes.

Submission:

Labcorp Genetics (formerly Invitae), Labcorp
Classification: Uncertain significance. Last evaluated: 2021-07-14. Review status: criteria provided, single submitter. Criteria: Invitae Variant Classification Sherloc (09022015). Collection method: clinical testing. Allele origin: germline.
Comment: In summary, the available evidence is currently insufficient to determine the role of this variant in disease. Therefore, it has been classified as a Variant of Uncertain Significance. This sequence change falls in intron 7 of the PIEZO1 gene. It does not directly change the encoded amino acid sequence of the PIEZO1 protein. It affects a nucleotide within the consensus splice site of the intron. This variant is not present in population databases (ExAC no frequency). This variant has not been reported in the literature in individuals affected with PIEZO1-related conditions. Nucleotide substitutions within the consensus splice site are a relatively common cause of aberrant splicing (PMID: 17576681, 9536098). Algorithms developed to predict the effect of sequence changes on RNA splicing suggest that this variant is not likely to affect RNA splicing.

Literature cited by the submitters: PubMed 17576681; PubMed 9536098.

NM_001142864.4(PIEZO1):c.848+5C>T

Genes: HSALR1 (HSP90AB1 associated lncRNA 1; plus strand), PIEZO1 (piezo type mechanosensitive ion channel component 1 (Er blood group); minus strand). Cytogenetic location: 16q24.3.
Variant type: single nucleotide variant.
Coding change: c.848+5C>T on transcript NM_001142864.4 (MANE Select); 5 bases into the intron after coding-DNA position 848, C replaced by T.
Molecular consequence: intron variant. On other transcripts: non-coding transcript variant (1).
Genome position (GRCh38, 1-based): chr16:88,738,222, G>A on the plus strand (C>T on the coding strand, the complement: PIEZO1 is on the minus strand). VCF-style: chr16-88738222-G-A. GRCh37 (hg19) VCF-style: chr16-88804630-G-A.
Identifiers: ClinVar variation 1424389 (VCV001424389.6), dbSNP rs978317004, ClinGen allele CA286436441.